The following is an entry in ClinVar:

ClinVar aggregate classification (germline): Pathogenic (1 of 4 stars; one submission).

Conditions:
Deafness-lymphedema-leukemia syndrome. Also called: Emberger syndrome; Lymphedema, primary, with myelodysplasia. Identifiers: Orphanet 3226, MedGen C3279664, MONDO:0013540, OMIM 614038.
GATA2 deficiency with susceptibility to MDS/AML. Identifiers: MedGen CN300066, MONDO:0042982.

Submission:

Molecular Pathology Research Laboratory, SA Pathology
Classification: Pathogenic for GATA2 deficiency with susceptibility to MDS/AML; Deafness-lymphedema-leukemia syndrome. Last evaluated: 2021-07-06. Review status: criteria provided, single submitter. Criteria: ACMG Guidelines, 2015. Collection method: curation. Allele origin: germline. Inheritance: Autosomal dominant inheritance. Affected: yes. Observed: 2 variant alleles.
Comment: PVS1, PS4_Moderate, PM2

Literature cited by the submitters: PubMed 29724903.

NM_032638.5(GATA2):c.1018_1028del

Gene: GATA2 (GATA binding protein 2; minus strand). Cytogenetic location: 3q21.3.
Variant type: Deletion.
Coding change: c.1018_1028del on transcript NM_032638.5 (MANE Select); coding-DNA positions 1018 to 1028, 11 bases deleted (TCGGCCGCCAG).
Molecular consequence: splice acceptor variant. On other transcripts: intron variant (1).
Genome position (GRCh38, 1-based): chr3:128,481,934-128,481,944, CTGGCGGCCGA deleted on the plus strand (TCGGCCGCCAG on the coding strand, the reverse complement: GATA2 is on the minus strand); deleting any 11 consecutive bases within chr3:128,481,934-128,481,948 gives the same sequence; the c. name uses the placement nearest the transcript's 3' end. VCF-style (leftmost placement, unchanged base first): chr3-128481933-TCTGGCGGCCGA-T. GRCh37 (hg19) VCF-style: chr3-128200776-TCTGGCGGCCGA-T.
Other names: c.1018-42_1018-32del (NM_001145662.1).
Identifiers: ClinVar variation 1184184 (VCV001184184.1), ClinGen allele CA2499216449.